The following is an entry in ClinVar:

ClinVar aggregate classification (germline): Benign. Review status: criteria provided, multiple submitters, no conflicts (2 of 4 stars). 3 submissions from 3 submitters: Benign (3). Last evaluated 2026-04-09.

Allele frequency attached by ClinVar (database versions not stated): gnomAD exomes 0.00037 and 0.00105; ExAC 0.00133; gnomAD 0.00417 and 0.00441; ESP Exome Variant Server 0.00469; TOPMed 0.00493; 1000 Genomes Project 0.00619; 1000 Genomes Project 30x 0.00656.
gnomAD v4.1: 1,213 of 1,614,062 alleles (0.075%); highest among the groups gnomAD compares: African/African-American, 1.4%; 6 homozygotes.

Submissions (3):

Women's Health and Genetics/Laboratory Corporation of America, LabCorp
Classification: Benign. Last evaluated: 2026-04-09. Review status: criteria provided, single submitter. Criteria: LabCorp Variant Classification Summary - May 2015. Collection method: clinical testing. Allele origin: germline.
Comment: Variant summary: DNASE2 c.611A>G (p.His204Arg) results in a non-conservative amino acid change in the encoded protein sequence. Algorithms developed to predict the effect of missense changes on protein structure and function are either unavailable or do not agree on the potential impact of this missense change. The variant allele was found at a frequency of 0.001 in 251490 control chromosomes, predominantly at a frequency of 0.015 within the African or African-American subpopulation in the gnomAD database, including 3 homozygotes. The observed variant frequency within African or African-American control individuals in the gnomAD database exceeds the estimated maximal expected allele frequency for disease-causing variants in DNASE2. To our knowledge, no occurrence of c.611A>G in individuals affected with DNASE2-related conditions and no experimental evidence demonstrating its impact on protein function have been reported. ClinVar contains an entry for this variant (Variation ID: 1164325). Based on the evidence outlined above, the variant was classified as benign.

Labcorp Genetics (formerly Invitae), Labcorp
Classification: Benign. Last evaluated: 2026-01-24. Review status: criteria provided, single submitter. Criteria: Invitae Variant Classification Sherloc (09022015). Collection method: clinical testing. Allele origin: germline.

Mayo Clinic Laboratories, Mayo Clinic
Classification: Benign. Last evaluated: 2025-02-26. Review status: criteria provided, single submitter. Criteria: ACMG Guidelines, 2015. Collection method: clinical testing. Allele origin: germline. Observed: 1 variant allele.
Comment: BS1, BS3, BP4_moderate

Literature cited by the submitters: PubMed 23019102 (cited by Mayo Clinic Laboratories, Mayo Clinic); PubMed 24242851 (cited by Mayo Clinic Laboratories, Mayo Clinic); PubMed 39182441 (cited by Mayo Clinic Laboratories, Mayo Clinic).

NM_001375.3(DNASE2):c.611A>G (p.His204Arg)

Gene: DNASE2 (deoxyribonuclease 2, lysosomal; minus strand). Cytogenetic location: 19p13.13.
Variant type: single nucleotide variant.
Coding change: c.611A>G on transcript NM_001375.3 (MANE Select); coding-DNA position 611, A replaced by G.
Protein change: p.His204Arg; replaces histidine 204 with arginine.
Molecular consequence: missense variant.
Genome position (GRCh38, 1-based): chr19:12,878,480, T>C on the plus strand (A>G on the coding strand, the complement: DNASE2 is on the minus strand). VCF-style: chr19-12878480-T-C. GRCh37 (hg19) VCF-style: chr19-12989294-T-C.
Other names: p.His204Arg; short protein forms H204R.
Identifiers: ClinVar variation 1164325 (VCV001164325.11), dbSNP rs16978744, ClinGen allele CA9233735.